The following is an entry in ClinVar:

NM_005052.3(RAC3):c.306G>A (p.Arg102=)

Gene: RAC3 (Rac family small GTPase 3; plus strand). Cytogenetic location: 17q25.3.
Variant type: single nucleotide variant.
Coding change: c.306G>A on transcript NM_005052.3 (MANE Select); coding-DNA position 306, G replaced by A.
Protein change: p.Arg102=; no amino-acid change (arginine 102 retained).
Molecular consequence: synonymous variant.
Genome position (GRCh38, 1-based): chr17:82,033,457, G>A. VCF-style: chr17-82033457-G-A. GRCh37 (hg19) VCF-style: chr17-79991333-G-A.
Other names: c.306G>A, p.Arg102= (NM_001316307.2).
Identifiers: ClinVar variation 3051136 (VCV003051136.2), dbSNP rs141719529, ClinGen allele CA8848401.
Genomic context (GRCh38, chr17:82,033,457, plus strand): 5'-TAGCCGACTCCGGGCCTAGGGATCAGAGCGTCTGTCCCTGCAGTGGTACCCGGAGGTGCG[G>A]CACCACTGCCCCCACACGCCCATCCTCCTGGTGGGCACCAAGCTGGACCTCCGCGACGAC-3'
Protein context (NP_005043.1, residues 92-112): NVRAKWYPEV[Arg102=]HHCPHTPILL

ClinVar aggregate classification (germline): Likely benign (0 of 4 stars; one submission).

Conditions:
RAC3-related disorder. Also called: RAC3-related condition.

Allele frequency attached by ClinVar (database versions not stated): gnomAD exomes 0.00011; ExAC 0.00045; 1000 Genomes Project 30x 0.00078; 1000 Genomes Project 0.00080; gnomAD 0.00129; TOPMed 0.00147; ESP Exome Variant Server 0.00162.

Submission:

PreventionGenetics, part of Exact Sciences
Classification: Likely benign for RAC3-related condition. Last evaluated: 2019-04-05. Review status: no assertion criteria provided. Collection method: clinical testing. Allele origin: germline.
Comment: This variant is classified as likely benign based on ACMG/AMP sequence variant interpretation guidelines (Richards et al. 2015 PMID: 25741868, with internal and published modifications).